The following is an entry in ClinVar:

NM_016138.5(COQ7):c.203C>G (p.Ala68Gly)

Gene: COQ7 (coenzyme Q7, hydroxylase; plus strand). Cytogenetic location: 16p12.3.
Variant type: single nucleotide variant.
Coding change: c.203C>G on transcript NM_016138.5 (MANE Select); coding-DNA position 203, C replaced by G.
Protein change: p.Ala68Gly; replaces alanine 68 with glycine.
Molecular consequence: missense variant. On other transcripts: non-coding transcript variant (3).
Genome position (GRCh38, 1-based): chr16:19,072,057, C>G. VCF-style: chr16-19072057-C-G. GRCh37 (hg19) VCF-style: chr16-19083379-C-G.
Other names: c.89C>G, p.Ala30Gly (NM_001190983.2, NM_001370492.1, NM_001370493.1 and 2 more transcripts); c.161C>G, p.Ala54Gly (NM_001370489.1, NM_001370491.1); c.203C>G, p.Ala68Gly (NM_001370490.1); short protein forms A68G, A54G, A30G.
Identifiers: ClinVar variation 1952416 (VCV001952416.6), dbSNP rs376135191, ClinGen allele CA394919408.
Genomic context (GRCh38, chr16:19,072,057, plus strand): 5'-CTGTGGATCGAATAATCCGGGTGGATCATGCAGGCGAATATGGAGCAAACCGCATCTATG[C>G]CGGGCAGATGGCTGTCCTGGGTCGGACCAGCGTCGGGCCAGTCATTCAGGTGGGTGCTTC-3'
Protein context (NP_057222.2, residues 58-78): AGEYGANRIY[Ala68Gly]GQMAVLGRTS

ClinVar aggregate classification (germline): Uncertain significance. Review status: criteria provided, multiple submitters, no conflicts (2 of 4 stars). 2 submissions from 2 submitters: Uncertain significance (2). Last evaluated 2022-05-27.

gnomAD v4.1: 1 of 1,614,168 alleles (0.000062%); highest among the groups gnomAD compares: African/African-American, 0.0013%; no homozygotes.

Submissions (2):

Labcorp Genetics (formerly Invitae), Labcorp
Classification: Uncertain significance. Last evaluated: 2022-05-27. Review status: criteria provided, single submitter. Criteria: Invitae Variant Classification Sherloc (09022015). Collection method: clinical testing. Allele origin: germline.
Comment: This variant has not been reported in the literature in individuals affected with COQ7-related conditions. In summary, the available evidence is currently insufficient to determine the role of this variant in disease. Therefore, it has been classified as a Variant of Uncertain Significance. Algorithms developed to predict the effect of missense changes on protein structure and function are either unavailable or do not agree on the potential impact of this missense change (SIFT: "Deleterious"; PolyPhen-2: "Benign"; Align-GVGD: "Class C55"). This variant is not present in population databases (gnomAD no frequency). This sequence change replaces alanine, which is neutral and non-polar, with glycine, which is neutral and non-polar, at codon 68 of the COQ7 protein (p.Ala68Gly).

Breakthrough Genomics
Classification: Uncertain significance. Review status: criteria provided, single submitter. Criteria: ACMG Guidelines, 2015. Collection method: not provided. Allele origin: germline. Inheritance: Autosomal recessive inheritance. Affected: yes.